The following is an entry in ClinVar:

NM_006031.6(PCNT):c.8953G>C (p.Ala2985Pro)

Gene: PCNT (pericentrin; plus strand). Cytogenetic location: 21q22.3.
Variant type: single nucleotide variant.
Coding change: c.8953G>C on transcript NM_006031.6 (MANE Select); coding-DNA position 8953, G replaced by C.
Protein change: p.Ala2985Pro; replaces alanine 2985 with proline.
Molecular consequence: missense variant.
Genome position (GRCh38, 1-based): chr21:46,436,105, G>C. VCF-style: chr21-46436105-G-C. GRCh37 (hg19) VCF-style: chr21-47856018-G-C.
Other names: c.8362G>C, p.Ala2788Pro (NM_001315529.2); c.8953G>C (NM_006031.5); short protein forms A2788P, A2985P.
Identifiers: ClinVar variation 1425078 (VCV001425078.6), dbSNP rs188889473, ClinGen allele CA10081131.
Genomic context (GRCh38, chr21:46,436,105, plus strand): 5'-GCGGACCACCTCCGGGAACAGCAGCGAGAGCTGGAGGCGATGAGGCAGCGGCTGCTCTCT[G>C]CCGCCCGGCTTCTCACCAGCTTCACCAGCCAGGCCGTGGACAGGTGTGCACCCACGCCAC-3'
Protein context (NP_006022.3, residues 2975-2995): LEAMRQRLLS[Ala2985Pro]ARLLTSFTSQ

ClinVar aggregate classification (germline): Uncertain significance. Review status: criteria provided, single submitter (1 of 4 stars). 2 submissions from 2 submitters: Uncertain significance (1). 1 of the submissions does not count toward it. Last evaluated 2022-07-25.

Conditions:
PCNT-related disorder. Also called: PCNT-related condition.

Allele frequency attached by ClinVar (database versions not stated): gnomAD 0.00002; gnomAD exomes 0.00002; ExAC 0.00003; 1000 Genomes Project 0.00020; 1000 Genomes Project 30x 0.00031.
gnomAD v4.1: 12 of 1,610,858 alleles (0.00074%); highest among the groups gnomAD compares: African/African-American, 0.013%; no homozygotes.

Submissions (2):

Labcorp Genetics (formerly Invitae), Labcorp
Classification: Uncertain significance. Last evaluated: 2022-07-25. Review status: criteria provided, single submitter. Criteria: Invitae Variant Classification Sherloc (09022015). Collection method: clinical testing. Allele origin: germline.
Comment: This sequence change replaces alanine, which is neutral and non-polar, with proline, which is neutral and non-polar, at codon 2985 of the PCNT protein (p.Ala2985Pro). This variant is present in population databases (rs188889473, gnomAD 0.01%). This variant has not been reported in the literature in individuals affected with PCNT-related conditions. ClinVar contains an entry for this variant (Variation ID: 1425078). Algorithms developed to predict the effect of missense changes on protein structure and function are either unavailable or do not agree on the potential impact of this missense change (SIFT: "Tolerated"; PolyPhen-2: "Possibly Damaging"; Align-GVGD: "Class C0"). In summary, the available evidence is currently insufficient to determine the role of this variant in disease. Therefore, it has been classified as a Variant of Uncertain Significance.

PreventionGenetics, part of Exact Sciences
Classification: Uncertain significance for PCNT-related condition. Last evaluated: 2024-08-27. Review status: no assertion criteria provided. Collection method: clinical testing. Allele origin: germline. Not counted in ClinVar's aggregate classification.
Comment: The PCNT c.8953G>C variant is predicted to result in the amino acid substitution p.Ala2985Pro. To our knowledge, this variant has not been reported in the literature. This variant is reported in 0.027% of alleles in individuals of African descent in gnomAD. At this time, the clinical significance of this variant is uncertain due to the absence of conclusive functional and genetic evidence.